The following is an entry in ClinVar:

NM_001097577.3(ANG):c.187T>C (p.Cys63Arg)

Genes: ANG (angiogenin; plus strand), EGILA (EGFR interacting lncRNA; minus strand), RNASE4 (ribonuclease A family member 4; plus strand). Cytogenetic location: 14q11.2.
Variant type: single nucleotide variant.
Coding change: c.187T>C on transcript NM_001097577.3 (MANE Select); coding-DNA position 187, T replaced by C.
Protein change: p.Cys63Arg; replaces cysteine 63 with arginine.
Molecular consequence: missense variant. On other transcripts: intron variant (4).
Genome position (GRCh38, 1-based): chr14:20,693,751, T>C. VCF-style: chr14-20693751-T-C. GRCh37 (hg19) VCF-style: chr14-21161910-T-C.
Other names: c.-17-5604T>C (NM_001282193.2, NM_002937.5); c.-18+4877T>C (NM_194431.3); c.187T>C, p.Cys63Arg (NM_001145.4, NM_001385271.1, NM_001385272.1 and 2 more transcripts); c.-18+101T>C (NM_001282192.2); short protein forms C63R.
Identifiers: ClinVar variation 3725038 (VCV003725038.2).

ClinVar aggregate classification (germline): Uncertain significance (1 of 4 stars; one submission).

Submission:

Labcorp Genetics (formerly Invitae), Labcorp
Classification: Uncertain significance. Last evaluated: 2025-03-27. Review status: criteria provided, single submitter. Criteria: Invitae Variant Classification Sherloc (09022015). Collection method: clinical testing. Allele origin: germline.
Comment: This sequence change replaces cysteine, which is neutral and slightly polar, with arginine, which is basic and polar, at codon 63 of the ANG protein (p.Cys63Arg). This variant is not present in population databases (gnomAD no frequency). This variant has not been reported in the literature in individuals affected with ANG-related conditions. An algorithm developed to predict the effect of missense changes on protein structure and function (PolyPhen-2) suggests that this variant is likely to be disruptive. In summary, the available evidence is currently insufficient to determine the role of this variant in disease. Therefore, it has been classified as a Variant of Uncertain Significance.